The following is an entry in ClinVar:

ClinVar aggregate classification (germline): Uncertain significance (1 of 4 stars; one submission).

Conditions:
Koolen-de Vries syndrome (KDVS). Identifiers: Orphanet 96169, MedGen C1864871, MONDO:0012496, OMIM 610443.

Submission:

Labcorp Genetics (formerly Invitae), Labcorp
Classification: Uncertain significance for Koolen-de Vries syndrome. Last evaluated: 2022-03-27. Review status: criteria provided, single submitter. Criteria: Invitae Variant Classification Sherloc (09022015). Collection method: clinical testing. Allele origin: germline.
Comment: In summary, the available evidence is currently insufficient to determine the role of this variant in disease. Therefore, it has been classified as a Variant of Uncertain Significance. Algorithms developed to predict the effect of sequence changes on RNA splicing suggest that this variant may disrupt the consensus splice site. Algorithms developed to predict the effect of missense changes on protein structure and function are either unavailable or do not agree on the potential impact of this missense change (SIFT: "Tolerated"; PolyPhen-2: "Probably Damaging"; Align-GVGD: "Class C0"). This variant has not been reported in the literature in individuals affected with KANSL1-related conditions. This variant is not present in population databases (gnomAD no frequency). This sequence change replaces aspartic acid, which is acidic and polar, with glycine, which is neutral and non-polar, at codon 673 of the KANSL1 protein (p.Asp673Gly).

NM_015443.4(KANSL1):c.2018A>G (p.Asp673Gly)

Gene: KANSL1 (KAT8 regulatory NSL complex subunit 1). Cytogenetic location: 17q21.31.
Variant type: single nucleotide variant.
Coding change: c.2018A>G on transcript NM_015443.4 (MANE Select); coding-DNA position 2018, A replaced by G.
Protein change: p.Asp673Gly; replaces aspartic acid 673 with glycine.
Molecular consequence: missense variant.
Genome position (GRCh38, 1-based): chr17:46,050,535, T>C on the plus strand (A>G on the coding strand, the complement: KANSL1 is on the minus strand). VCF-style: chr17-46050535-T-C. GRCh37 (hg19) VCF-style: chr17-44127901-T-C.
Other names: c.2018A>G, p.Asp673Gly (NM_001193465.2, NM_001193466.2, NM_001379198.1 and 14 more transcripts); c.1916A>G, p.Asp639Gly (NM_001405859.1, NM_001405860.1, NM_001405861.1 and 1 more transcripts); c.752A>G, p.Asp251Gly (NM_001405882.1, NM_001405883.1, NM_001405884.1 and 1 more transcripts); short protein forms D251G, D639G, D673G.
Identifiers: ClinVar variation 2118621 (VCV002118621.4), dbSNP rs2510648449, ClinGen allele CA399983773.